The following is an entry in ClinVar:

NM_052947.4(ALPK2):c.214T>A (p.Leu72Ile)

Gene: ALPK2 (alpha kinase 2; minus strand). Cytogenetic location: 18q21.32.
Variant type: single nucleotide variant.
Coding change: c.214T>A on transcript NM_052947.4 (MANE Select); coding-DNA position 214, T replaced by A.
Protein change: p.Leu72Ile; replaces leucine 72 with isoleucine.
Molecular consequence: missense variant.
Genome position (GRCh38, 1-based): chr18:58,607,335, A>T on the plus strand (T>A on the coding strand, the complement: ALPK2 is on the minus strand). VCF-style: chr18-58607335-A-T. GRCh37 (hg19) VCF-style: chr18-56274567-A-T.
Other names: short protein forms L72I.
Identifiers: ClinVar variation 1786731 (VCV001786731.3), dbSNP rs1343443756, ClinGen allele CA402555736.

ClinVar aggregate classification (germline): Uncertain significance (1 of 4 stars; one submission).

Submission:

Ambry Genetics
Classification: Uncertain significance. Last evaluated: 2024-04-19. Review status: criteria provided, single submitter. Criteria: Ambry Variant Classification Scheme 2023. Collection method: clinical testing. Allele origin: germline.
Comment: The p.L72I variant (also known as c.214T>A), located in coding exon 2 of the ALPK2 gene, results from a T to A substitution at nucleotide position 214. The leucine at codon 72 is replaced by isoleucine, an amino acid with highly similar properties. This amino acid position is conserved. In addition, this alteration is predicted to be tolerated by in silico analysis. Since supporting evidence is limited at this time, the clinical significance of this alteration remains unclear.